The following is an entry in ClinVar:

NM_000053.4(ATP7B):c.3247C>T (p.Leu1083Phe)

Gene: ATP7B (ATPase copper transporting beta; minus strand). Cytogenetic location: 13q14.3.
Variant type: single nucleotide variant.
Coding change: c.3247C>T on transcript NM_000053.4 (MANE Select); coding-DNA position 3247, C replaced by T.
Protein change: p.Leu1083Phe; replaces leucine 1083 with phenylalanine.
Molecular consequence: missense variant.
Genome position (GRCh38, 1-based): chr13:51,942,551, G>A on the plus strand (C>T on the coding strand, the complement: ATP7B is on the minus strand). VCF-style: chr13-51942551-G-A. GRCh37 (hg19) VCF-style: chr13-52516687-G-A.
Other names: c.2626C>T, p.Leu876Phe (NM_001005918.3); c.2914C>T, p.Leu972Phe (NM_001243182.2); c.3013C>T, p.Leu1005Phe (NM_001330578.2); c.2995C>T, p.Leu999Phe (NM_001330579.2); c.3247C>T (NM_000053.3); short protein forms L1083F, L876F, L1005F, L972F, L999F.
Identifiers: ClinVar variation 495412 (VCV000495412.14), dbSNP rs1286080173, ClinGen allele CA388029024.

ClinVar aggregate classification (germline): Pathogenic/Likely pathogenic. Review status: criteria provided, multiple submitters, no conflicts (2 of 4 stars). 8 submissions from 8 submitters: Pathogenic (5); Likely pathogenic (2). 1 of the submissions does not count toward it. Last evaluated 2025-06-03.

Conditions:
Wilson disease (WND). Also called: Wilson's disease. Identifiers: Orphanet 905, MedGen C0019202, MONDO:0010200, OMIM 277900. Disease mechanism: loss of function.

gnomAD v4.1: 4 of 1,614,106 alleles (0.00025%); highest among the groups gnomAD compares: East Asian, 0.0089%; no homozygotes.

Submissions (8):

Labcorp Genetics (formerly Invitae), Labcorp
Classification: Pathogenic for Wilson disease. Last evaluated: 2025-06-03. Review status: criteria provided, single submitter. Criteria: Invitae Variant Classification Sherloc (09022015). Collection method: clinical testing. Allele origin: germline.
Comment: This sequence change replaces leucine, which is neutral and non-polar, with phenylalanine, which is neutral and non-polar, at codon 1083 of the ATP7B protein (p.Leu1083Phe). This variant is present in population databases (no rsID available, gnomAD 0.01%). This missense change has been observed in individual(s) with Wilson disease (PMID: 9554743, 11954751, 26466587). In at least one individual the data is consistent with being in trans (on the opposite chromosome) from a pathogenic variant. ClinVar contains an entry for this variant (Variation ID: 495412). Invitae Evidence Modeling of protein sequence and biophysical properties (such as structural, functional, and spatial information, amino acid conservation, physicochemical variation, residue mobility, and thermodynamic stability) indicates that this missense variant is not expected to disrupt ATP7B protein function with a negative predictive value of 80%. Experimental studies have shown that this missense change affects ATP7B function (PMID: 22240481, 22692182). For these reasons, this variant has been classified as Pathogenic.

All of Us Research Program, National Institutes of Health
Classification: Pathogenic for Wilson disease. Last evaluated: 2024-07-10. Review status: criteria provided, single submitter. Criteria: ACMG Guidelines, 2015. Collection method: clinical testing. Allele origin: germline. Inheritance: Autosomal recessive inheritance. Observed: 2 variant alleles, 2 heterozygotes.
Comment: This missense variant replaces leucine with phenylalanine at codon 1083 of the ATP7B protein. Computational prediction suggests that this variant may have deleterious impact on protein structure and function (internally defined REVEL score threshold >= 0.7, PMID: 27666373). This variant alters a conserved leucine residue in the N domain of the ATP7B protein (a.a. 1032 - 1196), a highly conserved region that is considered to be important for ATP7B protein function (PMID: 35245129; ClinVar). Functional studies have shown abnormal subcellular localization of the mutant protein, along with decreased copper transport activity (PMID: 18203200, 22240481, 22692182, 35762218). This variant has been observed in over forty individuals affected with autosomal recessive Wilson disease (PMID: 9554743, 10790207, 11954751, 12544487, 20421574, 21645214, 26466587, 27935710, 29930488, 34240825), including two individuals in the homozygous state (PMID: 10790207, 21645214) and several individuals who were confirmed to carry another pathogenic variant in the same gene in trans (PMID: 12544487, 26466587, 29930488). This variant has been identified in 2/249498 chromosomes in the general population by the Genome Aggregation Database (gnomAD). Based on the available evidence, this variant is classified as Pathogenic.

This study involves interpretation of variants in research participants for the purpose of population health screening. Participant phenotype was not available at the time of variant classification. Additional details can be found in publication PMID: 35346344, PMCID: PMC8962531

Natera, Inc.
Classification: Pathogenic for Wilson disease. Last evaluated: 2024-06-13. Review status: criteria provided, single submitter. Criteria: Natera Variant Classification Schema (03/2026). Collection method: clinical testing. Allele origin: germline.
Comment: The c.3247C>T variant in ATP7B is a missense variant predicted to cause substitution of leucine to phenylalanine at amino acid 1083. This variant is rare in the general population with a frequency below the threshold expected for the associated phenotype(s). This variant has been observed in one or more individuals affected with the associated recessive disease, as either homozygous or compound heterozygous with a second variant (PMID: 21645214, 18652531, 20421574). Given the available evidence, this variant is classified as Pathogenic.

Baylor Genetics
Classification: Pathogenic for Wilson disease. Last evaluated: 2023-05-02. Review status: criteria provided, single submitter. Criteria: ACMG Guidelines, 2015. Collection method: clinical testing. Allele origin: unknown.

AiLife Diagnostics
Classification: Likely pathogenic. Last evaluated: 2022-03-05. Review status: criteria provided, single submitter. Criteria: ACMG Guidelines, 2015. Collection method: clinical testing. Allele origin: germline. Affected: yes. Observed: 1 variant allele.

Genome-Nilou Lab
Classification: Likely pathogenic for Wilson disease. Last evaluated: 2021-08-10. Review status: criteria provided, single submitter. Criteria: ACMG Guidelines, 2015. Collection method: clinical testing. Allele origin: germline. Affected: no.

Women's Health and Genetics/Laboratory Corporation of America, LabCorp
Classification: Pathogenic for Wilson disease. Last evaluated: 2016-11-21. Review status: criteria provided, single submitter. Criteria: LabCorp Variant Classification Summary - May 2015. Collection method: clinical testing. Allele origin: germline.
Comment: Variant summary: The ATP7B c.3247C>T (p.Leu1083Phe) variant involves the alteration of a conserved nucleotide. 4/5 in silico tools predict a damaging outcome for this variant. This variant is absent in 120420 control chromosomes but was reported at high frequency in Korean WD patients, and also in Japanese WD patients. Functionally, the variant was shown to lead to significant abnormalities subcellular localization and protein level. Taken together, this variant is classified as pathogenic.

Counsyl
Classification: Likely pathogenic for Wilson disease. Last evaluated: 2019-06-27. Review status: no assertion criteria provided. Collection method: clinical testing. Allele origin: unknown. Not counted in ClinVar's aggregate classification.

Literature cited by the submitters: PubMed 9554743 (cited by 3 submitters); PubMed 11954751 (cited by 3 submitters); PubMed 26466587 (cited by 4 submitters); PubMed 22240481 (cited by 5 submitters); PubMed 22692182 (cited by 3 submitters); PubMed 10790207 (cited by 3 submitters); PubMed 12544487 (cited by All of Us Research Program, National Institutes of Health and Counsyl); PubMed 18203200 (cited by 4 submitters); PubMed 20421574 (cited by 3 submitters); PubMed 21645214 (cited by 4 submitters); PubMed 27935710 (cited by All of Us Research Program, National Institutes of Health and Counsyl); PubMed 29930488 (cited by All of Us Research Program, National Institutes of Health); PubMed 34240825 (cited by All of Us Research Program, National Institutes of Health); PubMed 35245129 (cited by All of Us Research Program, National Institutes of Health); PubMed 35762218 (cited by All of Us Research Program, National Institutes of Health); PubMed 18652531 (cited by Natera, Inc.).